The following is an entry in ClinVar:

ClinVar aggregate classification (germline): Likely pathogenic. Review status: criteria provided, multiple submitters, no conflicts (2 of 4 stars). 2 submissions from 2 submitters: Likely pathogenic (2). Last evaluated 2025-04-18.

Conditions:
Galactosemia. Also called: Galactose intolerance. Identifiers: Orphanet 352, MedGen C0016952, MONDO:0018116, HP:0004919. Disease mechanism: loss of function.
Deficiency of UDPglucose-hexose-1-phosphate uridylyltransferase. Also called: GALACTOSE-1-PHOSPHATE URIDYLYLTRANSFERASE DEFICIENCY; GALT deficiency; Galactosemia, classic; Transferase Deficiency Galactosemia; GALACTOSEMIA I. Identifiers: Orphanet 352, Orphanet 79239, MedGen C0268151, MONDO:0009258, OMIM 230400.

gnomAD v4.1: 1 of 1,614,188 alleles (0.000062%); highest among the groups gnomAD compares: Non-Finnish European, 0.000085%; no homozygotes.

Submissions (2):

Women's Health and Genetics/Laboratory Corporation of America, LabCorp
Classification: Likely pathogenic for Deficiency of UDPglucose-hexose-1-phosphate uridylyltransferase. Last evaluated: 2025-04-18. Review status: criteria provided, single submitter. Criteria: LabCorp Variant Classification Summary - May 2015. Collection method: clinical testing. Allele origin: germline.
Comment: Variant summary: GALT c.151C>T (p.Arg51Trp) results in a non-conservative amino acid change in the encoded protein sequence. Five of five in-silico tools predict a damaging effect of the variant on protein function. The variant was absent in 251422 control chromosomes. c.151C>T has been observed in the compound heterozygous state in at least 1 individual(s) affected with Galactosemia (example, Martinelli_2016). Two different variants affecting the same codon have been classified as likely pathogenic/pathogenic by Labcorp (c.152G>T, p.Arg51Leu; c.152G>A, p.Arg51Gln), supporting the critical relevance of codon 51 to GALT protein function. To our knowledge, no experimental evidence demonstrating an impact on protein function has been reported. The following publications have been ascertained in the context of this evaluation (PMID: 26783274, 34030713, 31954591, 15841485). No submitters have cited clinical-significance assessments for this variant to ClinVar. Based on the evidence outlined above, the variant was classified as likely pathogenic.

Natera, Inc.
Classification: Likely pathogenic for Galactosemia. Last evaluated: 2025-04-10. Review status: criteria provided, single submitter. Criteria: Natera Variant Classification Schema (03/2026). Collection method: clinical testing. Allele origin: germline.
Comment: The c.151C>T variant in GALT is a missense variant predicted to cause substitution of arginine to tryptophan at amino acid 51. This variant is rare in the general population with a frequency below the threshold expected for the associated phenotype(s). This variant has been observed in one or more individuals affected with the associated recessive disease, as either homozygous or compound heterozygous with a second variant (PMID: 26783274). A different variant at the same position has been determined to be Pathogenic or Likely Pathogenic. Computational prediction algorithms indicate this variant is likely to affect gene or protein function. Given the available evidence, this variant is classified as Likely Pathogenic.

Literature cited by the submitters: PubMed 26783274 (cited by Women's Health and Genetics/Laboratory Corporation of America, LabCorp and Natera, Inc.).

NM_000155.4(GALT):c.151C>T (p.Arg51Trp)

Genes: GALT (galactose-1-phosphate uridylyltransferase; plus strand), LOC130001683 (ATAC-STARR-seq lymphoblastoid active region 28314; plus strand). Cytogenetic location: 9p13.3.
Variant type: single nucleotide variant.
Coding change: c.151C>T on transcript NM_000155.4 (MANE Select); coding-DNA position 151, C replaced by T.
Protein change: p.Arg51Trp; replaces arginine 51 with tryptophan.
Molecular consequence: missense variant. On other transcripts: 5 prime UTR variant (1).
Genome position (GRCh38, 1-based): chr9:34,647,157, C>T. VCF-style: chr9-34647157-C-T. GRCh37 (hg19) VCF-style: chr9-34647154-C-T.
Other names: c.151C>T (NM_000155.3); c.-52C>T (NM_001258332.2); short protein forms R51W.
Identifiers: ClinVar variation 3896177 (VCV003896177.3).